The following is an entry in ClinVar:

NM_031935.3(HMCN1):c.13726C>G (p.Arg4576Gly)

Gene: HMCN1 (hemicentin 1; plus strand). Cytogenetic location: 1q31.1.
Variant type: single nucleotide variant.
Coding change: c.13726C>G on transcript NM_031935.3 (MANE Select); coding-DNA position 13726, C replaced by G.
Protein change: p.Arg4576Gly; replaces arginine 4576 with glycine.
Molecular consequence: missense variant.
Genome position (GRCh38, 1-based): chr1:186,137,641, C>G. VCF-style: chr1-186137641-C-G. GRCh37 (hg19) VCF-style: chr1-186106773-C-G.
Other names: short protein forms R4576G.
Identifiers: ClinVar variation 2972429 (VCV002972429.3), dbSNP rs762367427, ClinGen allele CA33468299.

ClinVar aggregate classification (germline): Uncertain significance (1 of 4 stars; one submission).

gnomAD v4.1: 1 of 1,613,972 alleles (0.000062%); highest among the groups gnomAD compares: Non-Finnish European, 0.000085%; no homozygotes.

Submission:

Labcorp Genetics (formerly Invitae), Labcorp
Classification: Uncertain significance. Last evaluated: 2022-12-14. Review status: criteria provided, single submitter. Criteria: Invitae Variant Classification Sherloc (09022015). Collection method: clinical testing. Allele origin: germline.
Comment: This sequence change replaces arginine, which is basic and polar, with glycine, which is neutral and non-polar, at codon 4576 of the HMCN1 protein (p.Arg4576Gly). This variant is not present in population databases (gnomAD no frequency). This variant has not been reported in the literature in individuals affected with HMCN1-related conditions. Algorithms developed to predict the effect of missense changes on protein structure and function are either unavailable or do not agree on the potential impact of this missense change (SIFT: "Deleterious"; PolyPhen-2: "Benign"; Align-GVGD: "Class C25"). In summary, the available evidence is currently insufficient to determine the role of this variant in disease. Therefore, it has been classified as a Variant of Uncertain Significance.